The following is an entry in ClinVar:

NM_000548.5(TSC2):c.4440_4441insT (p.Lys1481Ter)

Gene: TSC2 (TSC complex subunit 2; plus strand). Cytogenetic location: 16p13.3.
Variant type: Insertion.
Coding change: c.4440_4441insT on transcript NM_000548.5 (MANE Select); coding-DNA positions 4440 to 4441, T inserted.
Protein change: p.Lys1481Ter; replaces lysine 1481 with a stop codon.
Molecular consequence: nonsense.
Genome position: GRCh38 VCF-style: chr16-2084662-A-AT. GRCh37 (hg19) VCF-style: chr16-2134663-A-AT.
Other names: c.4239_4240insT, p.Lys1414Ter (NM_001077183.3); c.4371_4372insT, p.Lys1458Ter (NM_001114382.3); c.4131_4132insT, p.Lys1378Ter (NM_001318827.2); c.4095_4096insT, p.Lys1366Ter (NM_001318829.2); c.3708_3709insT, p.Lys1237Ter (NM_001318831.2); c.4272_4273insT, p.Lys1425Ter (NM_001318832.2); c.4242_4243insT, p.Lys1415Ter (NM_001363528.2); c.4308_4309insT, p.Lys1437Ter (NM_001370404.1); and 1 more; short protein forms K1237*, K1366*, K1378*, K1414*, K1415*, K1425*, K1437*, K1438*.
Identifiers: ClinVar variation 1073382 (VCV001073382.7), dbSNP rs2151536718, ClinGen allele CA2499223339.

ClinVar aggregate classification (germline): Pathogenic (1 of 4 stars; one submission).

Conditions:
Tuberous sclerosis 2 (TSC2). Identifiers: Orphanet 805, MedGen C1860707, MONDO:0013199, OMIM 613254.

Submission:

Labcorp Genetics (formerly Invitae), Labcorp
Classification: Pathogenic for Tuberous sclerosis 2. Last evaluated: 2020-05-13. Review status: criteria provided, single submitter. Criteria: Invitae Variant Classification Sherloc (09022015). Collection method: clinical testing. Allele origin: germline.
Comment: For these reasons, this variant has been classified as Pathogenic. Loss-of-function variants in TSC2 are known to be pathogenic (PMID: 10205261, 17304050). This variant has not been reported in the literature in individuals with TSC2-related conditions. This variant is not present in population databases (ExAC no frequency). This sequence change creates a premature translational stop signal (p.Lys1481*) in the TSC2 gene. It is expected to result in an absent or disrupted protein product.

Literature cited by the submitters: PubMed 10205261; PubMed 17304050.